The following is an entry in ClinVar:

ClinVar aggregate classification (germline): Uncertain significance (1 of 4 stars; one submission).

gnomAD v4.1: 9 of 1,594,560 alleles (0.00056%); highest among the groups gnomAD compares: Non-Finnish European, 0.00077%; no homozygotes.

Submission:

Labcorp Genetics (formerly Invitae), Labcorp
Classification: Uncertain significance. Last evaluated: 2025-06-24. Review status: criteria provided, single submitter. Criteria: Invitae Variant Classification Sherloc (09022015). Collection method: clinical testing. Allele origin: germline.
Comment: This sequence change replaces methionine, which is neutral and non-polar, with isoleucine, which is neutral and non-polar, at codon 74 of the SRP54 protein (p.Met74Ile). This variant is present in population databases (rs767426097, gnomAD 0.006%). This variant has not been reported in the literature in individuals affected with SRP54-related conditions. ClinVar contains an entry for this variant (Variation ID: 3712035). Invitae Evidence Modeling of protein sequence and biophysical properties (such as structural, functional, and spatial information, amino acid conservation, physicochemical variation, residue mobility, and thermodynamic stability) indicates that this missense variant is not expected to disrupt SRP54 protein function with a negative predictive value of 80%. Algorithms developed to predict the effect of sequence changes on RNA splicing suggest that this variant may disrupt the consensus splice site. In summary, the available evidence is currently insufficient to determine the role of this variant in disease. Therefore, it has been classified as a Variant of Uncertain Significance.

NM_003136.4(SRP54):c.222G>T (p.Met74Ile)

Gene: SRP54 (signal recognition particle 54; plus strand). Cytogenetic location: 14q13.2.
Variant type: single nucleotide variant.
Coding change: c.222G>T on transcript NM_003136.4 (MANE Select); coding-DNA position 222, G replaced by T.
Protein change: p.Met74Ile; replaces methionine 74 with isoleucine.
Molecular consequence: missense variant.
Genome position (GRCh38, 1-based): chr14:35,000,987, G>T. VCF-style: chr14-35000987-G-T. GRCh37 (hg19) VCF-style: chr14-35470193-G-T.
Other names: c.75G>T, p.Met25Ile (NM_001146282.2); c.222G>T, p.Met74Ile (NM_001411017.1); short protein forms M25I, M74I.
Identifiers: ClinVar variation 3712035 (VCV003712035.2).